The following is an entry in ClinVar:

ClinVar aggregate classification (germline): Uncertain significance. Review status: criteria provided, multiple submitters, no conflicts (2 of 4 stars). 3 submissions from 3 submitters: Uncertain significance (3). Last evaluated 2026-01-06.

Conditions:
CFI-related disorder. Also called: CFI-related disorders; CFI-related condition. Identifiers: MedGen CN239325.

Submissions (3):

PreventionGenetics, part of Exact Sciences
Classification: Uncertain significance for CFI-related condition. Last evaluated: 2026-01-06. Review status: criteria provided, single submitter. Criteria: ACMG Guidelines, 2015. Collection method: clinical testing. Allele origin: germline.
Comment: The CFI c.881_883delCAG variant is predicted to result in an in-frame deletion (p.Ala296del). This variant occurs at the exon/intron boundary and is also predicted to significantly weaken the canonical donor splice site (SpliceAI, Jaganathan et al. 2019. PubMed ID: 30661751). However, the use of computer prediction programs is not equivalent to functional evidence. To our knowledge, this variant has not been reported in the literature or in a large population database (gnomAD), indicating this variant is rare. At this time, the clinical significance of this variant is uncertain due to the absence of conclusive functional and genetic evidence.

GeneDx
Classification: Uncertain significance. Last evaluated: 2022-09-23. Review status: criteria provided, single submitter. Criteria: GeneDx Variant Classification Process June 2021. Collection method: clinical testing. Allele origin: germline. Affected: yes.
Comment: Not observed at significant frequency in large population cohorts (gnomAD); In-frame deletion of one amino acid in a non-repeat region; In silico analysis supports a deleterious effect on protein structure/function; In silico analysis supports a deleterious effect on splicing; Has not been previously published as pathogenic or benign to our knowledge

Breakthrough Genomics
Classification: Uncertain significance. Review status: criteria provided, single submitter. Criteria: ACMG Guidelines, 2015. Collection method: not provided. Allele origin: germline. Inheritance: Autosomal recessive inheritance. Affected: yes.

NM_000204.5(CFI):c.881_883del (p.Ala294del)

Gene: CFI (complement factor I; minus strand). Cytogenetic location: 4q25.
Variant type: Deletion.
Coding change: c.881_883del on transcript NM_000204.5 (MANE Select); coding-DNA positions 881 to 883, 3 bases deleted (CAG; older notation c.881_883delCAG).
Protein change: p.Ala294del; deletes alanine 294.
Molecular consequence: inframe deletion. On other transcripts: inframe indel (1), non-coding transcript variant (3).
Genome position (GRCh38, 1-based): chr4:109,760,270-109,760,272, CTG deleted on the plus strand (CAG on the coding strand, the reverse complement: CFI is on the minus strand); deleting any 3 consecutive bases within chr4:109,760,270-109,760,273 gives the same sequence; the c. name uses the placement nearest the transcript's 3' end. VCF-style (leftmost placement, unchanged base first): chr4-109760269-CCTG-C. GRCh37 (hg19) VCF-style: chr4-110681425-CCTG-C.
Other names: c.880_882delGCA, p.Ala294del (NM_000204.3); c.880_882delGCA, p.Ala296del (NM_001318057.2, NM_001375278.1); c.881_883del, p.Ala294del (NM_001331035.2, NM_001375279.1, NM_001375280.1 and 3 more transcripts); c.272_274del, p.Ala91del (NM_001375284.1); c.881_883delCAG (NM_001318057.1); short protein forms A294del, A296del, A91del.
Identifiers: ClinVar variation 2446062 (VCV002446062.3), dbSNP rs1579215456, ClinGen allele CA917275814.
Genomic context (GRCh38, chr4:109,760,269, plus strand): 5'-AAAAGTTTCAGAATCCCTGGATTCAATAATGAAAAAAAGTCACCCCAAGTCTTTCAATTA[CCTG>C]CACAGCCAACTTCATCTTCCCCTGTAATGCAGTCCACCTCACCATTGCATTGATACTGGC-3'